The following is an entry in ClinVar:

ClinVar aggregate classification (germline): Uncertain significance (1 of 4 stars; one submission).

Submission:

Labcorp Genetics (formerly Invitae), Labcorp
Classification: Uncertain significance. Last evaluated: 2022-03-04. Review status: criteria provided, single submitter. Criteria: Invitae Variant Classification Sherloc (09022015). Collection method: clinical testing. Allele origin: germline.
Comment: In summary, the available evidence is currently insufficient to determine the role of this variant in disease. Therefore, it has been classified as a Variant of Uncertain Significance. Experimental studies and prediction algorithms are not available or were not evaluated, and the functional significance of this variant is currently unknown. This variant has not been reported in the literature in individuals affected with TOP2B-related conditions. This variant is a gross deletion of the genomic region encompassing exon(s) 34 of the TOP2B gene. This variant would be expected to be in-frame, preserving the integrity of the reading frame.

NC_000003.11:g.(?_25642571)_(25642736_?)del

Gene: TOP2B (DNA topoisomerase II beta; minus strand). Cytogenetic location: 3p24.2.
Variant type: Deletion.
Identifiers: ClinVar variation 2423593 (VCV002423593.4).